The following is an entry in ClinVar:

ClinVar aggregate classification (germline): Uncertain significance. Review status: criteria provided, multiple submitters, no conflicts (2 of 4 stars). 4 submissions from 4 submitters: Uncertain significance (4). Last evaluated 2024-03-05.

Conditions:
Juvenile polyposis syndrome (JPS). Identifiers: Orphanet 2929, MedGen C0345893, MONDO:0017380, OMIM 174900.
Hereditary cancer-predisposing syndrome. Also called: Tumor predisposition; Hereditary Cancer Syndrome; Neoplastic Syndromes, Hereditary; Hereditary neoplastic syndrome. Identifiers: Orphanet 140162, MedGen C0027672, MeSH D009386, MONDO:0015356.
BMPR1A-related disorder. Also called: BMPR1A-related condition.

gnomAD v4.1: 1 of 1,614,100 alleles (0.000062%); highest among the groups gnomAD compares: Non-Finnish European, 0.000085%; no homozygotes.

Submissions (4):

Ambry Genetics
Classification: Uncertain significance for Hereditary cancer-predisposing syndrome. Last evaluated: 2024-03-05. Review status: criteria provided, single submitter. Criteria: Ambry Variant Classification Scheme 2023. Collection method: clinical testing. Allele origin: germline.
Comment: The p.Q235H variant (also known as c.705G>C), located in coding exon 7 of the BMPR1A gene, results from a G to C substitution at nucleotide position 705. The glutamine at codon 235 is replaced by histidine, an amino acid with highly similar properties. This amino acid position is conserved. In addition, the in silico prediction for this alteration is inconclusive. Based on the available evidence, the clinical significance of this alteration remains unclear.

All of Us Research Program, National Institutes of Health
Classification: Uncertain significance for Juvenile polyposis syndrome. Last evaluated: 2023-06-26. Review status: criteria provided, single submitter. Criteria: ACMG Guidelines, 2015. Collection method: clinical testing. Allele origin: germline. Inheritance: Autosomal dominant inheritance. Observed: 1 variant allele, 1 heterozygote.
Comment: This missense variant replaces glutamine with histidine at codon 235 of the BMPR1A protein. Computational prediction suggests that this variant may not impact protein structure and function (internally defined REVEL score threshold <= 0.5, PMID: 27666373). To our knowledge, functional studies have not been reported for this variant. This variant has not been reported in individuals affected with BMPR1A-related disorders in the literature. This variant has not been identified in the general population by the Genome Aggregation Database (gnomAD). The available evidence is insufficient to determine the role of this variant in disease conclusively. Therefore, this variant is classified as a Variant of Uncertain Significance.

This study involves interpretation of variants in research participants for the purpose of population health screening. Participant phenotype was not available at the time of variant classification. Additional details can be found in publication PMID: 35346344, PMCID: PMC8962531

Labcorp Genetics (formerly Invitae), Labcorp
Classification: Uncertain significance for Juvenile polyposis syndrome. Last evaluated: 2023-05-02. Review status: criteria provided, single submitter. Criteria: Invitae Variant Classification Sherloc (09022015). Collection method: clinical testing. Allele origin: germline.
Comment: In summary, the available evidence is currently insufficient to determine the role of this variant in disease. Therefore, it has been classified as a Variant of Uncertain Significance. Advanced modeling of protein sequence and biophysical properties (such as structural, functional, and spatial information, amino acid conservation, physicochemical variation, residue mobility, and thermodynamic stability) performed at Invitae indicates that this missense variant is not expected to disrupt BMPR1A protein function. ClinVar contains an entry for this variant (Variation ID: 1010565). This variant has not been reported in the literature in individuals affected with BMPR1A-related conditions. This variant is not present in population databases (gnomAD no frequency). This sequence change replaces glutamine, which is neutral and polar, with histidine, which is basic and polar, at codon 235 of the BMPR1A protein (p.Gln235His).

PreventionGenetics, part of Exact Sciences
Classification: Uncertain significance for BMPR1A-related condition. Last evaluated: 2022-10-26. Review status: criteria provided, single submitter. Criteria: ACMG Guidelines, 2015. Collection method: clinical testing. Allele origin: germline.
Comment: The BMPR1A c.705G>C variant is predicted to result in the amino acid substitution p.Gln235His. To our knowledge, this variant has not been reported in the literature or in a large population database, indicating this variant is rare. This variant is interpreted as uncertain significance in ClinVar. At this time, the clinical significance of this variant is uncertain due to the absence of conclusive functional and genetic evidence.

NM_004329.3(BMPR1A):c.705G>C (p.Gln235His)

Gene: BMPR1A (bone morphogenetic protein receptor type 1A; plus strand). Cytogenetic location: 10q23.2.
Variant type: single nucleotide variant.
Coding change: c.705G>C on transcript NM_004329.3 (MANE Select); coding-DNA position 705, G replaced by C.
Protein change: p.Gln235His; replaces glutamine 235 with histidine.
Molecular consequence: missense variant.
Genome position (GRCh38, 1-based): chr10:86,917,163, G>C. VCF-style: chr10-86917163-G-C. GRCh37 (hg19) VCF-style: chr10-88676920-G-C.
Other names: c.705G>C (NM_004329.2); short protein forms Q235H.
Identifiers: ClinVar variation 1010565 (VCV001010565.12), dbSNP rs780907902, ClinGen allele CA377457118.